The following is an entry in ClinVar:

NM_020975.6(RET):c.2108A>T (p.Gln703Leu)

Gene: RET (ret proto-oncogene; plus strand). Cytogenetic location: 10q11.21.
Variant type: single nucleotide variant.
Coding change: c.2108A>T on transcript NM_020975.6 (MANE Select); coding-DNA position 2108, A replaced by T.
Protein change: p.Gln703Leu; replaces glutamine 703 with leucine.
Molecular consequence: missense variant.
Genome position (GRCh38, 1-based): chr10:43,114,708, A>T. VCF-style: chr10-43114708-A-T. GRCh37 (hg19) VCF-style: chr10-43610156-A-T.
Other names: c.1382A>T, p.Gln461Leu (NM_001406778.1, NM_001406775.1, NM_001406776.1 and 1 more transcripts); c.1211A>T, p.Gln404Leu (NM_001406779.1, NM_001406780.1, NM_001406781.1 and 1 more transcripts); c.1082A>T, p.Gln361Leu (NM_001406783.1, NM_001406786.1); c.1118A>T, p.Gln373Leu (NM_001406784.1); c.1091A>T, p.Gln364Leu (NM_001406785.1); c.1076A>T, p.Gln359Leu (NM_001406787.1); c.923A>T, p.Gln308Leu (NM_001406788.1, NM_001406789.1, NM_001406790.1); c.803A>T, p.Gln268Leu (NM_001406791.1); and 10 more; short protein forms Q607L, Q220L, Q268L, Q308L, Q404L, Q528L, Q557L, Q571L.
Identifiers: ClinVar variation 5028150 (VCV005028150.1).

ClinVar aggregate classification (germline): Uncertain significance (1 of 4 stars; one submission).

Conditions:
Hereditary cancer-predisposing syndrome. Also called: Neoplastic Syndromes, Hereditary; Tumor predisposition; Hereditary neoplastic syndrome; Hereditary Cancer Syndrome. Identifiers: Orphanet 140162, MedGen C0027672, MeSH D009386, MONDO:0015356.

Submission:

Ambry Genetics
Classification: Uncertain significance for Hereditary cancer-predisposing syndrome. Last evaluated: 2026-08-02. Review status: criteria provided, single submitter. Criteria: Ambry Variant Classification Scheme 2023. Collection method: clinical testing. Allele origin: germline.
Comment: The p.Q703L variant (also known as c.2108A>T), located in coding exon 11 of the RET gene, results from an A to T substitution at nucleotide position 2108. The glutamine at codon 703 is replaced by leucine, an amino acid with dissimilar properties. This amino acid position is conserved. In addition, the in silico prediction for this alteration is inconclusive. Based on the available evidence, the clinical significance of this variant remains unclear.